The following is an entry in ClinVar:

ClinVar aggregate classification (germline): Uncertain significance (1 of 4 stars; one submission).

Allele frequency attached by ClinVar (database versions not stated): TOPMed below 0.00001.
gnomAD v4.1: 1 of 1,613,738 alleles (0.000062%); highest among the groups gnomAD compares: Non-Finnish European, 0.000085%; no homozygotes.

Submission:

Labcorp Genetics (formerly Invitae), Labcorp
Classification: Uncertain significance. Last evaluated: 2025-03-17. Review status: criteria provided, single submitter. Criteria: Invitae Variant Classification Sherloc (09022015). Collection method: clinical testing. Allele origin: germline.
Comment: This sequence change replaces glutamine, which is neutral and polar, with proline, which is neutral and non-polar, at codon 468 of the ATF6 protein (p.Gln468Pro). This variant is not present in population databases (gnomAD no frequency). This variant has not been reported in the literature in individuals affected with ATF6-related conditions. ClinVar contains an entry for this variant (Variation ID: 943741). Invitae Evidence Modeling of protein sequence and biophysical properties (such as structural, functional, and spatial information, amino acid conservation, physicochemical variation, residue mobility, and thermodynamic stability) indicates that this missense variant is not expected to disrupt ATF6 protein function with a negative predictive value of 80%. In summary, the available evidence is currently insufficient to determine the role of this variant in disease. Therefore, it has been classified as a Variant of Uncertain Significance.

NM_007348.4(ATF6):c.1403A>C (p.Gln468Pro)

Gene: ATF6 (activating transcription factor 6; plus strand). Cytogenetic location: 1q23.3.
Variant type: single nucleotide variant.
Coding change: c.1403A>C on transcript NM_007348.4 (MANE Select); coding-DNA position 1403, A replaced by C.
Protein change: p.Gln468Pro; replaces glutamine 468 with proline.
Molecular consequence: missense variant.
Genome position (GRCh38, 1-based): chr1:161,851,805, A>C. VCF-style: chr1-161851805-A-C. GRCh37 (hg19) VCF-style: chr1-161821595-A-C.
Other names: short protein forms Q468P.
Identifiers: ClinVar variation 943741 (VCV000943741.6), dbSNP rs764946627, ClinGen allele CA343380710.